The following is an entry in ClinVar:

NM_017411.4(SMN2):c.13_27dup (p.Gly9_Gly10insSerGlyGlySerGly)

Gene: SMN2 (survival of motor neuron 2, centromeric). Cytogenetic location: 5q13.2.
Variant type: Duplication.
Coding change: c.13_27dup on transcript NM_017411.4 (MANE Select); coding-DNA positions 13 to 27, 15 bases duplicated.
Protein change: p.Gly9_Gly10insSerGlyGlySerGly.
Genome position: GRCh38 VCF-style: chr5-70049697-C-CAGCGGCGGCAGTGGT. GRCh37 (hg19) VCF-style: chr5-69345524-C-CAGCGGCGGCAGTGGT.
Other names: c.13_27dup, p.Gly9_Gly10insSerGlyGlySerGly (NM_022875.3, NM_022876.2, NM_022877.2).
Identifiers: ClinVar variation 4820247 (VCV004820247.1).
Genomic context (GRCh38, chr5:70,049,697, plus strand): 5'-CACTCTTAAGAAGGGACGGGGCCCCACGCTGCGCACCCGCGGGTTTGCTATGGCGATGAG[C>CAGCGGCGGCAGTGGT]AGCGGCGGCAGTGGTGGCGGCGTCCCGGAGCAGGAGGATTCCGTGCTGTTCCGGCGCGGC-3'

ClinVar aggregate classification (germline): Likely benign (1 of 4 stars; one submission).

Conditions:
Kugelberg-Welander disease (SMA3). Also called: SMA III; SPINAL MUSCULAR ATROPHY, MILD CHILDHOOD AND ADOLESCENT FORM; SPINAL MUSCULAR ATROPHY, TYPE III; KUGELBERG-WELANDER SYNDROME; MUSCULAR ATROPHY, JUVENILE; Juvenile Spinal Muscular Atrophy. Identifiers: Orphanet 70, Orphanet 83419, MedGen C0152109, MONDO:0009672, OMIM 253400.

Submission:

Center for Human Genetics and Genomic Medicine, Uniklinik Rwth Aachen
Classification: Likely benign for Kugelberg-Welander disease. Last evaluated: 2026-03-26. Review status: criteria provided, single submitter. Criteria: ACMG Guidelines, 2015. Collection method: clinical testing. Allele origin: unknown. Affected: no. Observed: 1 variant allele, 1 heterozygote.
Comment: Variant is in SMN2 which is a modifier of 5q-SMA but not disease-causing itself.